The following is an entry in ClinVar:

NM_001146262.4(SYT14):c.226+2962C>G

Gene: SYT14 (synaptotagmin 14; plus strand). Cytogenetic location: 1q32.2.
Variant type: single nucleotide variant.
Coding change: c.226+2962C>G on transcript NM_001146262.4 (MANE Select); 2962 bases into the intron after coding-DNA position 226, C replaced by G.
Molecular consequence: intron variant. On other transcripts: synonymous variant (2).
Genome position (GRCh38, 1-based): chr1:210,016,759, C>G. VCF-style: chr1-210016759-C-G. GRCh37 (hg19) VCF-style: chr1-210190104-C-G.
Other names: c.756C>G, p.Pro252= (NM_001397544.1, NM_001397545.1); c.112+2962C>G (NM_001256006.3); c.361+2962C>G (NM_001146261.4, NM_001146264.4); c.226+2962C>G (NM_153262.5).
Identifiers: ClinVar variation 4281040 (VCV004281040.8).

ClinVar aggregate classification (germline): Likely benign. Review status: criteria provided, multiple submitters, no conflicts (2 of 4 stars). 2 submissions from 2 submitters: Likely benign (2). Last evaluated 2025-09-01.

gnomAD v4.1: 6,300 of 1,231,612 alleles (0.51%); highest among the groups gnomAD compares: Non-Finnish European, 0.58%; 28 homozygotes.

Submissions (2):

CeGaT Center for Human Genetics Tuebingen
Classification: Likely benign. Last evaluated: 2025-09-01. Review status: criteria provided, single submitter. Criteria: CeGaT Center For Human Genetics Tuebingen Variant Classification Criteria Version 2. Collection method: clinical testing. Allele origin: germline. Affected: yes. Observed: 1 variant allele.
Comment: SYT14: BP4, BP7, BS2

Blueprint Genetics
Classification: Likely benign. Last evaluated: 2023-03-15. Review status: criteria provided, single submitter. Criteria: ACMG Guidelines, 2015. Collection method: clinical testing. Allele origin: germline.